The following is an entry in ClinVar:

NM_000891.3(KCNJ2):c.1264C>G (p.Arg422Gly)

Gene: KCNJ2 (potassium inwardly rectifying channel subfamily J member 2; plus strand). Cytogenetic location: 17q24.3.
Variant type: single nucleotide variant.
Coding change: c.1264C>G on transcript NM_000891.3 (MANE Select); coding-DNA position 1264, C replaced by G.
Protein change: p.Arg422Gly; replaces arginine 422 with glycine.
Molecular consequence: missense variant.
Genome position (GRCh38, 1-based): chr17:70,176,303, C>G. VCF-style: chr17-70176303-C-G. GRCh37 (hg19) VCF-style: chr17-68172444-C-G.
Other names: short protein forms R422G.
Identifiers: ClinVar variation 1763803 (VCV001763803.2), dbSNP rs1478741381, ClinGen allele CA400864244.

ClinVar aggregate classification (germline): Uncertain significance (1 of 4 stars; one submission).

Conditions:
Cardiovascular phenotype. Identifiers: MedGen CN230736.

Submission:

Ambry Genetics
Classification: Uncertain significance for Cardiovascular phenotype. Last evaluated: 2018-07-31. Review status: criteria provided, single submitter. Criteria: Ambry Variant Classification Scheme 2023. Collection method: clinical testing. Allele origin: germline.
Comment: The p.R422G variant (also known as c.1264C>G), located in coding exon 1 of the KCNJ2 gene, results from a C to G substitution at nucleotide position 1264. The arginine at codon 422 is replaced by glycine, an amino acid with dissimilar properties. This amino acid position is highly conserved in available vertebrate species. In addition, this alteration is predicted to be deleterious by in silico analysis. Since supporting evidence is limited at this time, the clinical significance of this alteration remains unclear.